The following is an entry in ClinVar:

NM_020987.5(ANK3):c.8730C>T (p.Asn2910=)

Gene: ANK3 (ankyrin 3; minus strand). Cytogenetic location: 10q21.2.
Variant type: single nucleotide variant.
Coding change: c.8730C>T on transcript NM_020987.5 (MANE Select); coding-DNA position 8730, C replaced by T.
Protein change: p.Asn2910=; no amino-acid change (asparagine 2910 retained).
Molecular consequence: synonymous variant. On other transcripts: intron variant (4).
Genome position (GRCh38, 1-based): chr10:60,072,151, G>A on the plus strand (C>T on the coding strand, the complement: ANK3 is on the minus strand). VCF-style: chr10-60072151-G-A. GRCh37 (hg19) VCF-style: chr10-61831909-G-A.
Other names: c.8730C>T (NM_020987.4); c.4388-4142C>T (NM_001204403.2); c.4409-4142C>T (NM_001204404.2); c.4406-4142C>T (NM_001320874.2); c.1808-4142C>T (NM_001149.4).
Identifiers: ClinVar variation 1596884 (VCV001596884.10), dbSNP rs370563122, ClinGen allele CA5511497.

ClinVar aggregate classification (germline): Likely benign. Review status: criteria provided, single submitter (1 of 4 stars). 2 submissions from 2 submitters: Likely benign (1). 1 of the submissions does not count toward it. Last evaluated 2025-11-10.

Conditions:
ANK3-related disorder. Also called: ANK3-related condition.

Allele frequency attached by ClinVar (database versions not stated): gnomAD 0.00005 and 0.00006; ESP Exome Variant Server 0.00008; ExAC 0.00010; TOPMed 0.00011; gnomAD exomes 0.00014.
gnomAD v4.1: 72 of 1,613,658 alleles (0.0045%); highest among the groups gnomAD compares: Admixed American, 0.068%; no homozygotes.

Submissions (2):

Labcorp Genetics (formerly Invitae), Labcorp
Classification: Likely benign. Last evaluated: 2025-11-10. Review status: criteria provided, single submitter. Criteria: Invitae Variant Classification Sherloc (09022015). Collection method: clinical testing. Allele origin: germline.

PreventionGenetics, part of Exact Sciences
Classification: Likely benign for ANK3-related condition. Last evaluated: 2019-02-20. Review status: no assertion criteria provided. Collection method: clinical testing. Allele origin: germline. Not counted in ClinVar's aggregate classification.
Comment: This variant is classified as likely benign based on ACMG/AMP sequence variant interpretation guidelines (Richards et al. 2015 PMID: 25741868, with internal and published modifications).